The following is an entry in ClinVar:

ClinVar aggregate classification (germline): Uncertain significance (1 of 4 stars; one submission).

Conditions:
DiGeorge syndrome. Also called: THIRD AND FOURTH PHARYNGEAL POUCH SYNDROME; Catch22. Identifiers: Orphanet 567, MedGen C0012236, MONDO:0008564, OMIM 188400.

Submission:

Labcorp Genetics (formerly Invitae), Labcorp
Classification: Uncertain significance for DiGeorge syndrome. Last evaluated: 2022-10-21. Review status: criteria provided, single submitter. Criteria: Invitae Variant Classification Sherloc (09022015). Collection method: clinical testing. Allele origin: germline.
Comment: In summary, the available evidence is currently insufficient to determine the role of this variant in disease. Therefore, it has been classified as a Variant of Uncertain Significance. This variant has not been reported in the literature in individuals affected with TBX1-related conditions. This variant is not present in population databases (gnomAD no frequency). This variant, c.1413_1427dup, results in the insertion of 5 amino acid(s) of the TBX1 protein (p.Ala472_Ala476dup), but otherwise preserves the integrity of the reading frame.

NM_001379200.1(TBX1):c.1440_1454dup (p.Ala485_Asn486insAlaAlaAlaAlaAla)

Gene: TBX1 (T-box transcription factor 1; plus strand). Cytogenetic location: 22q11.21.
Variant type: Duplication.
Coding change: c.1440_1454dup on transcript NM_001379200.1 (MANE Select); coding-DNA positions 1440 to 1454, 15 bases duplicated (AGCTGCCGCGGCCGC).
Protein change: p.Ala485_Asn486insAlaAlaAlaAlaAla.
Molecular consequence: inframe insertion. On other transcripts: intron variant (2).
Genome position (GRCh38, 1-based): chr22:19,766,792-19,766,806, AGCTGCCGCGGCCGC duplicated; duplicating any 15 consecutive bases within chr22:19,766,787-19,766,806 gives the same sequence; the c. name uses the placement nearest the transcript's 3' end. VCF-style (leftmost placement, unchanged base first): chr22-19766786-T-TGCCGCAGCTGCCGCG. GRCh37 (hg19) VCF-style: chr22-19754309-T-TGCCGCAGCTGCCGCG.
Other names: c.1413_1427dup, p.Ala476_Asn477insAlaAlaAlaAlaAla (NM_080647.1); c.1009+790_1009+804dup (NM_005992.1, NM_080646.2).
Identifiers: ClinVar variation 2066600 (VCV002066600.4), dbSNP rs773384513, ClinGen allele CA10102766.
Genomic context (GRCh38, chr22:19,766,786, plus strand): 5'-CGCGCATCCGCACCACCACCACCACCCCGTGAGTCCAGCCGCCGCGGCCGCCGCCGCCGC[T>TGCCGCAGCTGCCGCG]GCCGCAGCTGCCGCGGCCGCCAACATGTACTCGTCGGCCGGAGCCGCGCCGCCCGGCTCC-3'